The following is an entry in ClinVar:

NM_015100.4(POGZ):c.2743G>A (p.Ala915Thr)

Gene: POGZ (pogo transposable element derived with ZNF domain; minus strand). Cytogenetic location: 1q21.3.
Variant type: single nucleotide variant.
Coding change: c.2743G>A on transcript NM_015100.4 (MANE Select); coding-DNA position 2743, G replaced by A.
Protein change: p.Ala915Thr; replaces alanine 915 with threonine.
Molecular consequence: missense variant.
Genome position (GRCh38, 1-based): chr1:151,406,292, C>T on the plus strand (G>A on the coding strand, the complement: POGZ is on the minus strand). VCF-style: chr1-151406292-C-T. GRCh37 (hg19) VCF-style: chr1-151378768-C-T.
Other names: c.2458G>A, p.Ala820Thr (NM_145796.4); c.2584G>A, p.Ala862Thr (NM_207171.2); c.2716G>A, p.Ala906Thr (NM_001194937.2); c.2557G>A, p.Ala853Thr (NM_001194938.2); c.2764G>A, p.Ala922Thr (NM_001410860.1); short protein forms A820T, A853T, A862T, A906T, A915T, A922T.
Identifiers: ClinVar variation 5017599 (VCV005017599.1).

ClinVar aggregate classification (germline): Uncertain significance (1 of 4 stars; one submission).

Submission:

GeneDx
Classification: Uncertain significance. Last evaluated: 2026-03-26. Review status: criteria provided, single submitter. Criteria: GeneDx Variant Classification Process June 2021. Collection method: clinical testing. Allele origin: germline.
Comment: Not observed at significant frequency in large population cohorts (gnomAD); In silico analysis suggests that this missense variant does not alter protein structure/function; Has not been previously published as pathogenic or benign to our knowledge